The following is an entry in ClinVar:

NM_000540.3(RYR1):c.10139G>A (p.Arg3380His)

Gene: RYR1 (ryanodine receptor 1; plus strand). Cytogenetic location: 19q13.2.
Variant type: single nucleotide variant.
Coding change: c.10139G>A on transcript NM_000540.3 (MANE Select); coding-DNA position 10139, G replaced by A.
Protein change: p.Arg3380His; replaces arginine 3380 with histidine.
Molecular consequence: missense variant.
Genome position (GRCh38, 1-based): chr19:38,519,334, G>A. VCF-style: chr19-38519334-G-A. GRCh37 (hg19) VCF-style: chr19-39009974-G-A.
Other names: c.10139G>A, p.Arg3380His (NM_001042723.2); short protein forms R3380H.
Identifiers: ClinVar variation 864804 (VCV000864804.10), dbSNP rs754760055, ClinGen allele CA052420.

ClinVar aggregate classification (germline): Uncertain significance. Review status: criteria provided, multiple submitters, no conflicts (2 of 4 stars). 4 submissions from 4 submitters: Uncertain significance (4). Last evaluated 2025-06-03.

Conditions:
RYR1-related disorder. Also called: RYR1-related disorders; RYR1-related condition. Identifiers: MedGen CN239331.
Central core myopathy (CMYO1A). Also called: CONGENITAL MYOPATHY 1A, AUTOSOMAL DOMINANT, WITH SUSCEPTIBILITY TO MALIGNANT HYPERTHERMIA; Central core disease; Myopathy, central fibrillar. Identifiers: Orphanet 597, MedGen C5830701, MONDO:0007294, OMIM 117000.
King Denborough syndrome (KDS). Identifiers: MedGen C1840365, MONDO:0020485, OMIM 619542.
Malignant hyperthermia, susceptibility to, 1 (MHS1). Also called: Anesthesia related hyperthermia; Malignant hyperpyrexia; Fulminating hyperpyrexia; Pharmacogenic myopathy; Malignant hyperthermia suceptibility 1; RYR1-Related Malignant Hyperthermia Susceptibility. Identifiers: Orphanet 423, MedGen C2930980, MONDO:0007783, OMIM 145600.
Congenital multicore myopathy with external ophthalmoplegia (CMYO1B). Also called: MULTIMINICORE DISEASE WITH EXTERNAL OPHTHALMOPLEGIA; MULTICORE MYOPATHY; Minicore myopathy with external ophthalmoplegia; Congenital myopathy 1B, autosomal recessive; Minicore myopathy. Identifiers: Orphanet 598, Orphanet 98905, MedGen C1850674, MONDO:0009712, OMIM 255320, HP:0003789.

Allele frequency attached by ClinVar (database versions not stated): gnomAD 0.00002; ExAC 0.00003; gnomAD exomes 0.00003 and 0.00004; TOPMed 0.00003.
gnomAD v4.1: 62 of 1,613,264 alleles (0.0038%); highest among the groups gnomAD compares: Non-Finnish European, 0.0048%; no homozygotes.

Submissions (4):

Color Diagnostics, LLC DBA Color Health
Classification: Uncertain significance for Malignant hyperthermia, susceptibility to, 1. Last evaluated: 2025-06-03. Review status: criteria provided, single submitter. Criteria: ACMG Guidelines, 2015. Collection method: clinical testing. Allele origin: germline.
Comment: This missense variant replaces arginine with histidine at codon 3380 of the RYR1 protein. Computational prediction suggests that this variant may have deleterious impact on protein structure and function. To our knowledge, functional studies have not been reported for this variant. This variant has not been reported in individuals affected with RYR1-related disorders in the literature. This variant has been identified in 10/279218 chromosomes in the general population by the Genome Aggregation Database (gnomAD). The available evidence is insufficient to determine the role of this variant in disease conclusively. Therefore, this variant is classified as a Variant of Uncertain Significance.

Department of Pathology and Laboratory Medicine, Sinai Health System
Classification: Uncertain significance for Central core myopathy; Malignant hyperthermia, susceptibility to, 1; Congenital multicore myopathy with external ophthalmoplegia; King Denborough syndrome. Last evaluated: 2022-08-16. Review status: criteria provided, single submitter. Criteria: ACMG Guidelines, 2015. Collection method: research. Allele origin: germline.

Labcorp Genetics (formerly Invitae), Labcorp
Classification: Uncertain significance for RYR1-related disorder. Last evaluated: 2022-06-04. Review status: criteria provided, single submitter. Criteria: Invitae Variant Classification Sherloc (09022015). Collection method: clinical testing. Allele origin: germline.
Comment: This sequence change replaces arginine, which is basic and polar, with histidine, which is basic and polar, at codon 3380 of the RYR1 protein (p.Arg3380His). This variant is present in population databases (rs754760055, gnomAD 0.006%). This variant has not been reported in the literature in individuals affected with RYR1-related conditions. ClinVar contains an entry for this variant (Variation ID: 864804). Algorithms developed to predict the effect of missense changes on protein structure and function are either unavailable or do not agree on the potential impact of this missense change (SIFT: "Deleterious"; PolyPhen-2: "Benign"; Align-GVGD: "Class C0"). In summary, the available evidence is currently insufficient to determine the role of this variant in disease. Therefore, it has been classified as a Variant of Uncertain Significance.

GeneDx
Classification: Uncertain significance. Last evaluated: 2019-08-07. Review status: criteria provided, single submitter. Criteria: GeneDx Variant Classification Process June 2021. Collection method: clinical testing. Allele origin: germline. Affected: yes.
Comment: Not observed at a significant frequency in large population cohorts (Lek et al., 2016); In silico analysis, which includes protein predictors and evolutionary conservation, supports a deleterious effect; Has not been previously published as pathogenic or benign to our knowledge